The following is an entry in ClinVar:

ClinVar aggregate classification (germline): Uncertain significance (1 of 4 stars; one submission).

Conditions:
Mevalonic aciduria (MEVA). Identifiers: Orphanet 29, MedGen C1959626, MONDO:0012481, OMIM 610377.
Porokeratosis 3, disseminated superficial actinic type (POROK3). Also called: POROKERATOSIS 3, MULTIPLE TYPES; POROKERATOSIS 3, MIBELLI TYPE; POROKERATOSIS, DISSEMINATED SUPERFICIAL ACTINIC, 1. Identifiers: MedGen C1867981, MONDO:0008293, OMIM 175900.
Hyperimmunoglobulin D with periodic fever (HIDS). Also called: HYPERIMMUNOGLOBULINEMIA D AND PERIODIC FEVER SYNDROME; Hyperimmunoglobulinemia D; Hyperimmunoglobulinemia D with periodic fever. Identifiers: Orphanet 343, MedGen C0398691, MONDO:0009849, OMIM 260920.

gnomAD v4.1: 4 of 1,612,838 alleles (0.00025%); highest among the groups gnomAD compares: Non-Finnish European, 0.00034%; no homozygotes.

Submission:

Labcorp Genetics (formerly Invitae), Labcorp
Classification: Uncertain significance for Mevalonic aciduria; Hyperimmunoglobulin D with periodic fever; Porokeratosis 3, disseminated superficial actinic type. Last evaluated: 2024-07-29. Review status: criteria provided, single submitter. Criteria: Invitae Variant Classification Sherloc (09022015). Collection method: clinical testing. Allele origin: germline.
Comment: This sequence change replaces threonine, which is neutral and polar, with isoleucine, which is neutral and non-polar, at codon 209 of the MVK protein (p.Thr209Ile). This variant is not present in population databases (gnomAD no frequency). This variant has not been reported in the literature in individuals affected with MVK-related conditions. Advanced modeling of protein sequence and biophysical properties (such as structural, functional, and spatial information, amino acid conservation, physicochemical variation, residue mobility, and thermodynamic stability) performed at Invitae indicates that this missense variant is not expected to disrupt MVK protein function with a negative predictive value of 80%. In summary, the available evidence is currently insufficient to determine the role of this variant in disease. Therefore, it has been classified as a Variant of Uncertain Significance.

NM_000431.4(MVK):c.626C>T (p.Thr209Ile)

Gene: MVK (mevalonate kinase; plus strand). Cytogenetic location: 12q24.11.
Variant type: single nucleotide variant.
Coding change: c.626C>T on transcript NM_000431.4 (MANE Select); coding-DNA position 626, C replaced by T.
Protein change: p.Thr209Ile; replaces threonine 209 with isoleucine.
Molecular consequence: missense variant. On other transcripts: non-coding transcript variant (4).
Genome position (GRCh38, 1-based): chr12:109,586,120, C>T. VCF-style: chr12-109586120-C-T. GRCh37 (hg19) VCF-style: chr12-110023925-C-T.
Other names: c.626C>T, p.Thr209Ile (NM_001114185.3, NM_001414511.1, NM_001414512.1 and 1 more transcripts); c.470C>T, p.Thr157Ile (NM_001301182.2, NM_001414514.1); c.44C>T, p.Thr15Ile (NM_001414515.1); short protein forms T157I, T15I, T209I.
Identifiers: ClinVar variation 3756786 (VCV003756786.2).